The following is an entry in ClinVar:

NM_000059.4(BRCA2):c.2734dup (p.Thr912fs)

Gene: BRCA2 (BRCA2 DNA repair associated; plus strand). Cytogenetic location: 13q13.1.
Variant type: Duplication.
Coding change: c.2734dup on transcript NM_000059.4 (MANE Select); coding-DNA position 2734, one base duplicated (A; older notation c.2734dupA).
Protein change: p.Thr912fs; shifts the reading frame from threonine 912.
Molecular consequence: frameshift variant.
Genome position (GRCh38, 1-based): chr13:32,337,089, A duplicated; the last of 3 consecutive A bases (chr13:32,337,087-32,337,089); duplicating any one gives the same sequence. VCF-style (leftmost placement, unchanged base first): chr13-32337086-G-GA. GRCh37 (hg19) VCF-style: chr13-32911223-G-GA.
Other names: c.2734dup, p.Thr912Asnfs (NM_001406719.1, NM_001406720.1); short protein forms T912fs.
Identifiers: ClinVar variation 2431268 (VCV002431268.1), dbSNP rs2548524566, ClinGen allele CA2580087297.

ClinVar aggregate classification (germline): Pathogenic (1 of 4 stars; one submission).

Conditions:
Breast-ovarian cancer, familial, susceptibility to, 2 (BROVCA2). Also called: BRCA2 Hereditary Breast and Ovarian Cancer. Identifiers: Orphanet 145, MedGen C2675520, MONDO:0012933, OMIM 612555. Disease mechanism: loss of function.

Submission:

Myriad Genetics, Inc.
Classification: Pathogenic for Breast-ovarian cancer, familial, susceptibility to, 2. Last evaluated: 2023-01-10. Review status: criteria provided, single submitter. Criteria: Myriad Autosomal Dominant, Autosomal Recessive and X-Linked Classification Criteria (2023). Collection method: clinical testing. Allele origin: unknown.
Comment: This variant is considered pathogenic. This variant creates a frameshift predicted to result in premature protein truncation.